The following is an entry in ClinVar:

ClinVar aggregate classification (germline): Uncertain significance (1 of 4 stars; one submission).

Submission:

Labcorp Genetics (formerly Invitae), Labcorp
Classification: Uncertain significance. Last evaluated: 2024-02-29. Review status: criteria provided, single submitter. Criteria: Invitae Variant Classification Sherloc (09022015). Collection method: clinical testing. Allele origin: germline.
Comment: This sequence change replaces lysine, which is basic and polar, with asparagine, which is neutral and polar, at codon 372 of the MYLK3 protein (p.Lys372Asn). This variant is not present in population databases (gnomAD no frequency). This variant has not been reported in the literature in individuals affected with MYLK3-related conditions. An algorithm developed to predict the effect of missense changes on protein structure and function (PolyPhen-2) suggests that this variant is likely to be tolerated. In summary, the available evidence is currently insufficient to determine the role of this variant in disease. Therefore, it has been classified as a Variant of Uncertain Significance.

NM_182493.3(MYLK3):c.1116G>T (p.Lys372Asn)

Gene: MYLK3 (myosin light chain kinase 3; minus strand). Cytogenetic location: 16q11.2.
Variant type: single nucleotide variant.
Coding change: c.1116G>T on transcript NM_182493.3 (MANE Select); coding-DNA position 1116, G replaced by T.
Protein change: p.Lys372Asn; replaces lysine 372 with asparagine.
Molecular consequence: missense variant.
Genome position (GRCh38, 1-based): chr16:46,732,554, C>A on the plus strand (G>T on the coding strand, the complement: MYLK3 is on the minus strand). VCF-style: chr16-46732554-C-A. GRCh37 (hg19) VCF-style: chr16-46766466-C-A.
Other names: c.93G>T, p.Lys31Asn (NM_001308301.1); short protein forms K31N, K372N.
Identifiers: ClinVar variation 3682672 (VCV003682672.2).